The following is an entry in ClinVar:

NM_001162498.3(LPAR6):c.540T>C (p.Tyr180=)

Genes: LPAR6 (lysophosphatidic acid receptor 6; minus strand), RB1 (RB transcriptional corepressor 1; plus strand). Cytogenetic location: 13q14.2.
Variant type: single nucleotide variant.
Coding change: c.540T>C on transcript NM_001162498.3 (MANE Select); coding-DNA position 540, T replaced by C.
Protein change: p.Tyr180=; no amino-acid change (tyrosine 180 retained).
Molecular consequence: synonymous variant. On other transcripts: intron variant (2).
Genome position (GRCh38, 1-based): chr13:48,411,884, A>G on the plus strand (T>C on the coding strand, the complement: LPAR6 is on the minus strand). VCF-style: chr13-48411884-A-G. GRCh37 (hg19) VCF-style: chr13-48986020-A-G.
Other names: c.540T>C, p.Tyr180= (NM_001162497.3, NM_001377316.2, NM_001377317.2 and 1 more transcripts); c.1695+30441A>G (NM_001407165.1, NM_000321.3).
Identifiers: ClinVar variation 2643812 (VCV002643812.24), dbSNP rs1948812836, ClinGen allele CA483740244.

ClinVar aggregate classification (germline): Likely benign (1 of 4 stars; one submission).

Allele frequency attached by ClinVar (database versions not stated): gnomAD exomes below 0.00001; TOPMed below 0.00001; gnomAD 0.00001.
gnomAD v4.1: 3 of 1,613,628 alleles (0.00019%); highest among the groups gnomAD compares: Non-Finnish European, 0.00025%; no homozygotes.

Submission:

CeGaT Center for Human Genetics Tuebingen
Classification: Likely benign. Last evaluated: 2023-04-01. Review status: criteria provided, single submitter. Criteria: CeGaT Center For Human Genetics Tuebingen Variant Classification Criteria Version 2. Collection method: clinical testing. Allele origin: germline. Affected: yes. Observed: 1 variant allele.
Comment: LPAR6: BP4, BP7